The following is an entry in ClinVar:

NM_000138.5(FBN1):c.3246C>T (p.Gly1082=)

Gene: FBN1 (fibrillin 1; minus strand). Cytogenetic location: 15q21.1.
Variant type: single nucleotide variant.
Coding change: c.3246C>T on transcript NM_000138.5 (MANE Select); coding-DNA position 3246, C replaced by T.
Protein change: p.Gly1082=; no amino-acid change (glycine 1082 retained).
Molecular consequence: synonymous variant.
Genome position (GRCh38, 1-based): chr15:48,488,204, G>A on the plus strand (C>T on the coding strand, the complement: FBN1 is on the minus strand). VCF-style: chr15-48488204-G-A. GRCh37 (hg19) VCF-style: chr15-48780401-G-A.
Identifiers: ClinVar variation 696819 (VCV000696819.44), dbSNP rs138855754, ClinGen allele CA050227.
Genomic context (GRCh38, chr15:48,488,204, plus strand): 5'-TTCATAGCCTTCGTCACACTTGCATTCAAAGTCCCCAGGGGTGTTCACACACTGGCCTCT[G>A]CCACAGAGGTCAGGAGATATGCGGCATTCGTCAATGTCTGCACAAAAACAGCAAGTGGCA-3'
Protein context (NP_000129.3, residues 1072-1092): DECRISPDLC[Gly1082=]RGQCVNTPGD

ClinVar aggregate classification (germline): Likely benign. Review status: criteria provided, multiple submitters, no conflicts (2 of 4 stars). 5 submissions from 5 submitters: Likely benign (5). Last evaluated 2023-12-01.

Conditions:
Marfan syndrome (MFS). Also called: Marfan syndrome type 1; Marfan's syndrome; Marfan syndrome, classic; FBN1-Related Marfan Syndrome; MARFAN SYNDROME, TYPE I. Identifiers: Orphanet 284963, Orphanet 558, MedGen C0024796, MONDO:0007947, OMIM 154700.
Familial thoracic aortic aneurysm and aortic dissection (TAAD). Also called: Thoracic aortic aneurysms and dissections. Identifiers: Orphanet 91387, MedGen C4707243, MONDO:0019625.

Allele frequency attached by ClinVar (database versions not stated): gnomAD exomes below 0.00001 and 0.00001; ExAC 0.00002; gnomAD 0.00002 and 0.00004; TOPMed 0.00003; ESP Exome Variant Server 0.00008.
gnomAD v4.1: 9 of 1,614,068 alleles (0.00056%); highest among the groups gnomAD compares: African/African-American, 0.011%; no homozygotes.

Submissions (5):

All of Us Research Program, National Institutes of Health
Classification: Likely benign for Marfan syndrome. Last evaluated: 2023-12-01. Review status: criteria provided, single submitter. Criteria: ACMG Guidelines, 2015. Collection method: clinical testing. Allele origin: germline. Inheritance: Autosomal dominant inheritance. Observed: 4 variant alleles, 4 heterozygotes.
Comment: This study involves interpretation of variants in research participants for the purpose of population health screening. Participant phenotype was not available at the time of variant classification. Additional details can be found in publication PMID: 35346344, PMCID: PMC8962531

Ambry Genetics
Classification: Likely benign for Familial thoracic aortic aneurysm and aortic dissection. Last evaluated: 2023-11-01. Review status: criteria provided, single submitter. Criteria: Ambry Variant Classification Scheme 2023. Collection method: clinical testing. Allele origin: germline.

Color Diagnostics, LLC DBA Color Health
Classification: Likely benign for Familial thoracic aortic aneurysm and aortic dissection. Last evaluated: 2021-08-30. Review status: criteria provided, single submitter. Criteria: ACMG Guidelines, 2015. Collection method: clinical testing. Allele origin: germline.

CeGaT Center for Human Genetics Tuebingen
Classification: Likely benign. Last evaluated: 2021-04-01. Review status: criteria provided, single submitter. Criteria: CeGaT Center For Human Genetics Tuebingen Variant Classification Criteria Version 2. Collection method: clinical testing. Allele origin: germline. Affected: yes. Observed: 1 variant allele.

Labcorp Genetics (formerly Invitae), Labcorp
Classification: Likely benign for Marfan syndrome; Familial thoracic aortic aneurysm and aortic dissection. Last evaluated: 2018-06-05. Review status: criteria provided, single submitter. Criteria: Invitae Variant Classification Sherloc (09022015). Collection method: clinical testing. Allele origin: germline.